The following is an entry in ClinVar:

NM_018979.4(WNK1):c.5177C>T (p.Thr1726Ile)

Gene: WNK1 (WNK lysine deficient protein kinase 1; plus strand). Cytogenetic location: 12p13.33.
Variant type: single nucleotide variant.
Coding change: c.5177C>T on transcript NM_018979.4 (MANE Select); coding-DNA position 5177, C replaced by T.
Protein change: p.Thr1726Ile; replaces threonine 1726 with isoleucine.
Molecular consequence: missense variant.
Genome position (GRCh38, 1-based): chr12:885,981, C>T. VCF-style: chr12-885981-C-T. GRCh37 (hg19) VCF-style: chr12-995147-C-T.
Other names: c.5957C>T, p.Thr1986Ile (NM_001184985.2); c.4436C>T, p.Thr1479Ile (NM_014823.3); c.5933C>T, p.Thr1978Ile (NM_213655.5); short protein forms T1479I, T1726I, T1986I, T1978I.
Identifiers: ClinVar variation 648037 (VCV000648037.9), dbSNP rs145675918, ClinGen allele CA6383081.

ClinVar aggregate classification (germline): Uncertain significance. Review status: criteria provided, multiple submitters, no conflicts (2 of 4 stars). 2 submissions from 2 submitters: Uncertain significance (2). Last evaluated 2025-10-22.

Conditions:
Neuropathy, hereditary sensory and autonomic, type 2A (HSAN2A). Also called: WNK1-Related HSAN2 (HSAN2A); ACROOSTEOLYSIS, GIACCAI TYPE; ACROOSTEOLYSIS, NEUROGENIC; HSAN IIA; MORVAN DISEASE; NEUROPATHY, CONGENITAL SENSORY. Identifiers: Orphanet 970, MedGen C2752089, MONDO:0024309, OMIM 201300.
Pseudohypoaldosteronism type 2C (PHA2C). Also called: Pseudohypoaldosteronism Type IIC. Identifiers: Orphanet 757, Orphanet 88940, MedGen C1840391, MONDO:0013778, OMIM 614492.

Allele frequency attached by ClinVar (database versions not stated): gnomAD 0.00001; gnomAD exomes 0.00001 and 0.00002; TOPMed 0.00002; ExAC 0.00003; ESP Exome Variant Server 0.00008.
gnomAD v4.1: 6 of 1,590,944 alleles (0.00038%); highest among the groups gnomAD compares: East Asian, 0.0045%; no homozygotes.

Submissions (2):

Labcorp Genetics (formerly Invitae), Labcorp
Classification: Uncertain significance for Neuropathy, hereditary sensory and autonomic, type 2A; Pseudohypoaldosteronism type 2C. Last evaluated: 2025-10-22. Review status: criteria provided, single submitter. Criteria: Invitae Variant Classification Sherloc (09022015). Collection method: clinical testing. Allele origin: germline.
Comment: This sequence change replaces threonine, which is neutral and polar, with isoleucine, which is neutral and non-polar, at codon 1978 of the WNK1 protein (p.Thr1978Ile). This variant is present in population databases (rs145675918, gnomAD 0.01%). This variant has not been reported in the literature in individuals affected with WNK1-related conditions. ClinVar contains an entry for this variant (Variation ID: 648037). Invitae Evidence Modeling of protein sequence and biophysical properties (such as structural, functional, and spatial information, amino acid conservation, physicochemical variation, residue mobility, and thermodynamic stability) indicates that this missense variant is not expected to disrupt WNK1 protein function with a negative predictive value of 95%. In summary, the available evidence is currently insufficient to determine the role of this variant in disease. Therefore, it has been classified as a Variant of Uncertain Significance.

Fulgent Genetics
Classification: Uncertain significance for Neuropathy, hereditary sensory and autonomic, type 2A; Pseudohypoaldosteronism type 2C. Last evaluated: 2024-06-03. Review status: criteria provided, single submitter. Criteria: ACMG Guidelines, 2015. Collection method: clinical testing. Allele origin: germline.